The following is an entry in ClinVar:

NM_000284.4(PDHA1):c.1018G>A (p.Val340Met)

Gene: PDHA1 (pyruvate dehydrogenase E1 subunit alpha 1; plus strand). Cytogenetic location: Xp22.12.
Variant type: single nucleotide variant.
Coding change: c.1018G>A on transcript NM_000284.4 (MANE Select); coding-DNA position 1018, G replaced by A.
Protein change: p.Val340Met; replaces valine 340 with methionine.
Molecular consequence: missense variant.
Genome position (GRCh38, 1-based): chrX:19,359,498, G>A. VCF-style: chrX-19359498-G-A. GRCh37 (hg19) VCF-style: chrX-19377616-G-A.
Other names: c.1132G>A, p.Val378Met (NM_001173454.2); c.1039G>A, p.Val347Met (NM_001173455.2); c.925G>A, p.Val309Met (NM_001173456.2); short protein forms V340M, V309M, V347M, V378M.
Identifiers: ClinVar variation 632936 (VCV000632936.1), dbSNP rs1569194022, ClinGen allele CA412396390.

ClinVar aggregate classification (germline): Uncertain significance (1 of 4 stars; one submission).

Submission:

Women's Health and Genetics/Laboratory Corporation of America, LabCorp
Classification: Uncertain significance. Last evaluated: 2017-09-20. Review status: criteria provided, single submitter. Criteria: LabCorp Variant Classification Summary - May 2015. Collection method: clinical testing. Allele origin: germline.
Comment: Variant summary: The PDHA1 c.1018G>A (p.Val340Met) variant involves the alteration of a conserved nucleotide and located in the Thiamin diphosphate-binding fold and Dehydrogenase, E1 component domains (via Interpro). 2/4 in silico tools predict a benign outcome for this variant (SNPsandGO not captured due to low reliability index). However, these predictions have yet to be functionally assessed. This variant is absent in 178780 control chromosomes (gnomAD). The variant of interest has not, to our knowledge, been reported in affected individuals via publications and/or reputable databases/clinical diagnostic laboratories. Because of the absence of clinical information and the lack of functional studies, the variant is classified as a "Variant of Uncertain Significance (VUS)," until additional information becomes available.